The following is an entry in ClinVar:

NM_018062.4(FANCL):c.392C>T (p.Thr131Ile)

Gene: FANCL (FA complementation group L; minus strand). Cytogenetic location: 2p16.1.
Variant type: single nucleotide variant.
Coding change: c.392C>T on transcript NM_018062.4 (MANE Select); coding-DNA position 392, C replaced by T.
Protein change: p.Thr131Ile; replaces threonine 131 with isoleucine.
Molecular consequence: missense variant.
Genome position (GRCh38, 1-based): chr2:58,204,209, G>A on the plus strand (C>T on the coding strand, the complement: FANCL is on the minus strand). VCF-style: chr2-58204209-G-A. GRCh37 (hg19) VCF-style: chr2-58431344-G-A.
Other names: c.392C>T, p.Thr131Ile (NM_001114636.2, NM_001374615.1, NM_001410792.1); short protein forms T131I.
Identifiers: ClinVar variation 1336849 (VCV001336849.12), dbSNP rs371154063, ClinGen allele CA1670639.

ClinVar aggregate classification (germline): Uncertain significance. Review status: criteria provided, multiple submitters, no conflicts (2 of 4 stars). 3 submissions from 3 submitters: Uncertain significance (3). Last evaluated 2025-02-13.

Conditions:
Fanconi anemia complementation group L (FANCL). Also called: FANCL-Related Fanconi Anemia. Identifiers: Orphanet 84, MedGen C3469528, MONDO:0013566, OMIM 614083.
Fanconi anemia (FA). Also called: Fanconi's anemia. Identifiers: Orphanet 84, MedGen C0015625, MeSH D005199, MONDO:0019391.

Allele frequency attached by ClinVar (database versions not stated): ExAC 0.00001; TOPMed 0.00003; gnomAD 0.00004; ESP Exome Variant Server 0.00008.
gnomAD v4.1: 8 of 1,612,914 alleles (0.0005%); highest among the groups gnomAD compares: African/African-American, 0.0053%; no homozygotes.

Submissions (3):

Labcorp Genetics (formerly Invitae), Labcorp
Classification: Uncertain significance for Fanconi anemia. Last evaluated: 2025-02-13. Review status: criteria provided, single submitter. Criteria: Invitae Variant Classification Sherloc (09022015). Collection method: clinical testing. Allele origin: germline.
Comment: This sequence change replaces threonine, which is neutral and polar, with isoleucine, which is neutral and non-polar, at codon 131 of the FANCL protein (p.Thr131Ile). This variant is present in population databases (rs371154063, gnomAD 0.01%). This variant has not been reported in the literature in individuals affected with FANCL-related conditions. ClinVar contains an entry for this variant (Variation ID: 1336849). Invitae Evidence Modeling of protein sequence and biophysical properties (such as structural, functional, and spatial information, amino acid conservation, physicochemical variation, residue mobility, and thermodynamic stability) indicates that this missense variant is expected to disrupt FANCL protein function with a positive predictive value of 80%. In summary, the available evidence is currently insufficient to determine the role of this variant in disease. Therefore, it has been classified as a Variant of Uncertain Significance.

Fulgent Genetics
Classification: Uncertain significance for Fanconi anemia complementation group L. Last evaluated: 2022-03-03. Review status: criteria provided, single submitter. Criteria: ACMG Guidelines, 2015. Collection method: clinical testing. Allele origin: unknown.

Genetic Services Laboratory, University of Chicago
Classification: Uncertain significance. Last evaluated: 2018-09-12. Review status: criteria provided, single submitter. Criteria: ACMG Guidelines, 2015. Collection method: clinical testing. Allele origin: germline. Affected: no.